The following is an entry in ClinVar:

ClinVar aggregate classification (germline): Uncertain significance. Review status: criteria provided, multiple submitters, no conflicts (2 of 4 stars). 3 submissions from 3 submitters: Uncertain significance (3). Last evaluated 2026-03-02.

Conditions:
Inborn genetic diseases. Identifiers: MedGen C0950123, MeSH D030342.
Neuronopathy, distal hereditary motor, type 5B. Also called: HMN VB; DHMN VB; NEURONOPATHY, DISTAL HEREDITARY MOTOR, HARDING TYPE VB; NEUROPATHY, DISTAL HEREDITARY MOTOR, HARDING TYPE VB; SPINAL MUSCULAR ATROPHY, DISTAL, HARDING TYPE VB. Identifiers: Orphanet 139536, MedGen C3553656, MONDO:0013884, OMIM 614751.
Hereditary spastic paraplegia 31. Also called: SPASTIC PARAPLEGIA 31, AUTOSOMAL DOMINANT. Identifiers: Orphanet 101011, MedGen C1853247, MONDO:0012453, OMIM 610250.

Submissions (3):

Ambry Genetics
Classification: Uncertain significance for Inborn genetic diseases. Last evaluated: 2026-03-02. Review status: criteria provided, single submitter. Criteria: Ambry Variant Classification Scheme 2023. Collection method: clinical testing. Allele origin: germline.
Comment: The c.166G>A (p.D56N) alteration is located in exon 3 (coding exon 3) of the REEP1 gene. This alteration results from a G to A substitution at nucleotide position 166, causing the aspartic acid (D) at amino acid position 56 to be replaced by an asparagine (N). This variant was not reported in population-based cohorts in the Genome Aggregation Database (gnomAD). This variant was identified in one or more individuals with features consistent with REEP1-related spastic paraplegia and segregated with disease in at least one family (Goizet, 2011; Polymeris, 2016; Lynch, 2016). Another variant at the same codon, c.166G>C, (p.D56H) has been identified in individual(s) with features consistent with REEP1-related spastic paraplegia (M&eacute;reaux, 2022). This amino acid position is highly conserved in available vertebrate species. The in silico prediction for this alteration is inconclusive. Based on insufficient or conflicting evidence, the clinical significance of this alteration remains unclear.

Labcorp Genetics (formerly Invitae), Labcorp
Classification: Uncertain significance for Hereditary spastic paraplegia 31. Last evaluated: 2025-03-25. Review status: criteria provided, single submitter. Criteria: Invitae Variant Classification Sherloc (09022015). Collection method: clinical testing. Allele origin: germline.
Comment: This sequence change replaces aspartic acid, which is acidic and polar, with asparagine, which is neutral and polar, at codon 56 of the REEP1 protein (p.Asp56Asn). This variant is not present in population databases (gnomAD no frequency). This missense change has been observed in individuals with HSP (PMID: 21618648, 26374131, 27260292). It has also been observed to segregate with disease in related individuals. ClinVar contains an entry for this variant (Variation ID: 411803). An algorithm developed to predict the effect of missense changes on protein structure and function (PolyPhen-2) suggests that this variant is likely to be disruptive. In summary, the available evidence is currently insufficient to determine the role of this variant in disease. Therefore, it has been classified as a Variant of Uncertain Significance.

Institute of Human Genetics, University of Leipzig Medical Center
Classification: Uncertain significance for Neuronopathy, distal hereditary motor, type 5B. Last evaluated: 2024-12-10. Review status: criteria provided, single submitter. Criteria: ACMG Guidelines, 2015. Collection method: clinical testing. Allele origin: unknown. Inheritance: Autosomal dominant inheritance. Affected: yes.
Comment: Criteria applied: PM2,PM1_SUP,PM5_SUP,PP3

Literature cited by the submitters: PubMed 21618648 (cited by Ambry Genetics and Labcorp Genetics (formerly Invitae), Labcorp); PubMed 26374131 (cited by Ambry Genetics and Labcorp Genetics (formerly Invitae), Labcorp); PubMed 27260292 (cited by Ambry Genetics and Labcorp Genetics (formerly Invitae), Labcorp); PubMed 34983064 (cited by Ambry Genetics).

NM_001371279.1(REEP1):c.166G>A (p.Asp56Asn)

Gene: REEP1 (receptor accessory protein 1; minus strand). Cytogenetic location: 2p11.2.
Variant type: single nucleotide variant.
Coding change: c.166G>A on transcript NM_001371279.1 (MANE Select); coding-DNA position 166, G replaced by A.
Protein change: p.Asp56Asn; replaces aspartic acid 56 with asparagine.
Molecular consequence: missense variant.
Genome position (GRCh38, 1-based): chr2:86,263,981, C>T on the plus strand (G>A on the coding strand, the complement: REEP1 is on the minus strand). VCF-style: chr2-86263981-C-T. GRCh37 (hg19) VCF-style: chr2-86491104-C-T.
Other names: c.187G>A, p.Asp63Asn (NM_001164730.2); c.85G>A, p.Asp29Asn (NM_001164731.2); c.166G>A, p.Asp56Asn (NM_001164732.2, NM_001371280.1, NM_022912.3); short protein forms D63N, D56N, D29N.
Identifiers: ClinVar variation 411803 (VCV000411803.11), dbSNP rs1060503493, ClinGen allele CA16611113.